The following is an entry in ClinVar:

NM_001042492.3(NF1):c.5264_5265dup (p.Lys1756fs)

Gene: NF1 (neurofibromin 1; plus strand). Cytogenetic location: 17q11.2.
Variant type: Duplication.
Coding change: c.5264_5265dup on transcript NM_001042492.3 (MANE Select); coding-DNA positions 5264 to 5265, 2 bases duplicated (TT; older notation c.5264_5265dupTT).
Protein change: p.Lys1756fs; shifts the reading frame from lysine 1756.
Molecular consequence: frameshift variant.
Genome position (GRCh38, 1-based): chr17:31,326,248-31,326,249, TT duplicated. VCF-style (leftmost placement, unchanged base first): chr17-31326247-A-ATT. GRCh37 (hg19) VCF-style: chr17-29653265-A-ATT.
Other names: c.5201_5202dup, p.Lys1735Leufs (NM_000267.4); short protein forms K1735fs, K1756fs.
Identifiers: ClinVar variation 1454935 (VCV001454935.6), dbSNP rs2151539112, ClinGen allele CA2573153387.

ClinVar aggregate classification (germline): Pathogenic (1 of 4 stars; one submission).

Conditions:
Neurofibromatosis, type 1 (NF1). Also called: Neurofibromatosis, type I; VON RECKLINGHAUSEN DISEASE; NEUROFIBROMATOSIS, TYPE I, SOMATIC; Peripheral type neurofibromatosis. Identifiers: Orphanet 636, MedGen C0027831, MONDO:0018975, OMIM 162200. Disease mechanism: loss of function.

Submission:

Labcorp Genetics (formerly Invitae), Labcorp
Classification: Pathogenic for Neurofibromatosis, type 1. Last evaluated: 2020-12-22. Review status: criteria provided, single submitter. Criteria: Invitae Variant Classification Sherloc (09022015). Collection method: clinical testing. Allele origin: germline.
Comment: For these reasons, this variant has been classified as Pathogenic. This variant has not been reported in the literature in individuals with NF1-related conditions. This variant is not present in population databases (ExAC no frequency). This sequence change creates a premature translational stop signal (p.Lys1735Leufs*10) in the NF1 gene. It is expected to result in an absent or disrupted protein product. Loss-of-function variants in NF1 are known to be pathogenic (PMID: 10712197, 23913538).

Literature cited by the submitters: PubMed 10712197; PubMed 23913538.